The following is an entry in ClinVar:

ClinVar aggregate classification (germline): Uncertain significance (1 of 4 stars; one submission).

Conditions:
Cardiovascular phenotype. Identifiers: MedGen CN230736.

Submission:

Ambry Genetics
Classification: Uncertain significance for Cardiovascular phenotype. Last evaluated: 2023-12-25. Review status: criteria provided, single submitter. Criteria: Ambry Variant Classification Scheme 2023. Collection method: clinical testing. Allele origin: germline.
Comment: The p.P95R variant (also known as c.284C>G), located in coding exon 2 of the BAG3 gene, results from a C to G substitution at nucleotide position 284. The proline at codon 95 is replaced by arginine, an amino acid with dissimilar properties. This amino acid position is conserved. In addition, the in silico prediction for this alteration is inconclusive. Since supporting evidence is limited at this time, the clinical significance of this alteration remains unclear.

NM_004281.4(BAG3):c.284C>G (p.Pro95Arg)

Gene: BAG3 (BAG cochaperone 3; plus strand). Cytogenetic location: 10q26.11.
Variant type: single nucleotide variant.
Coding change: c.284C>G on transcript NM_004281.4 (MANE Select); coding-DNA position 284, C replaced by G.
Protein change: p.Pro95Arg; replaces proline 95 with arginine.
Molecular consequence: missense variant.
Genome position (GRCh38, 1-based): chr10:119,669,954, C>G. VCF-style: chr10-119669954-C-G. GRCh37 (hg19) VCF-style: chr10-121429466-C-G.
Other names: short protein forms P95R.
Identifiers: ClinVar variation 3223773 (VCV003223773.1), dbSNP rs869025364, ClinGen allele CA378294787.
Genomic context (GRCh38, chr10:119,669,954, plus strand): 5'-GGCTGCCGCCTGCTAGGGAAGGCCACCCTGTGTACCCCCAGCTCCGACCAGGCTACATTC[C>G]CATTCCTGTGCTCCATGAAGGCGCTGAGAACCGGCAGGTGCACCCTTTCCATGTCTATCC-3'
Protein context (NP_004272.2, residues 85-105): VYPQLRPGYI[Pro95Arg]IPVLHEGAEN